The following is an entry in ClinVar:

ClinVar aggregate classification (germline): Pathogenic. Review status: criteria provided, multiple submitters, no conflicts (2 of 4 stars). 10 submissions from 10 submitters: Pathogenic (9). 1 of the submissions does not count toward it. Last evaluated 2026-01-24.

Conditions:
COL7A1-related disorder. Also called: COL7A1- related disorders; COL7A1-related condition.
Transient bullous dermolysis of the newborn (TBDN). Also called: DYSTROPHIC EPIDERMOLYSIS BULLOSA, NEONATAL; EPIDERMOLYSIS BULLOSA DYSTROPHICA, NEONATAL FORM. Identifiers: Orphanet 79411, MedGen C1851573, MONDO:0007548, OMIM 131705.
Recessive dystrophic epidermolysis bullosa (RDEB). Also called: severe generalized recessive dystrophic epidermolysis bullosa; EPIDERMOLYSIS BULLOSA DYSTROPHICA, GENERALIZED SEVERE, AUTOSOMAL RECESSIVE; Recessive DEB (RDEB); epidermolysis bullosa dystrophica, autosomal recessive; Epidermolysis Bullosa Distrophica Autosomal Recessive (RDEB); DYSTROPHIC EPIDERMOLYSIS BULLOSA, AUTOSOMAL RECESSIVE. Identifiers: Orphanet 79408, Orphanet 79409, MedGen C0079474, MONDO:0009179, OMIM 226600.
Nonsyndromic congenital nail disorder 8. Also called: TOENAIL DYSTROPHY, ISOLATED. Identifiers: MedGen C1843761, MONDO:0011852, OMIM 607523.
Pretibial dystrophic epidermolysis bullosa. Also called: Pretibial blistering; EPIDERMOLYSIS BULLOSA DYSTROPHICA, PRETIBIAL; Pretibial epidermolysis bullosa. Identifiers: Orphanet 79410, MedGen C0432321, MONDO:0007552, OMIM 131850, HP:0012221.
Dominant dystrophic epidermolysis bullosa with absence of skin. Also called: EPIDERMOLYSIS BULLOSA WITH CONGENITAL LOCALIZED ABSENCE OF SKIN AND DEFORMITY OF NAILS; EPIDERMOLYSIS BULLOSA DYSTROPHICA, BART TYPE. Identifiers: MedGen C0268371, MONDO:0007557, OMIM 132000.
Epidermolysis bullosa pruriginosa. Also called: DEB, PRURIGINOSA; DYSTROPHIC EPIDERMOLYSIS BULLOSA PRURIGINOSA. Identifiers: Orphanet 89843, MedGen C1275114, MONDO:0011398, OMIM 604129.
Generalized dominant dystrophic epidermolysis bullosa (DDEB). Also called: DYSTROPHIC EPIDERMOLYSIS BULLOSA, AUTOSOMAL DOMINANT; Epidermolysis bullosa dystrophica, autosomal dominant; DDEB, generalized; DDEB-gen; Dominant DEB (DDEB). Identifiers: Orphanet 231568, MedGen C0432322, MONDO:0007549, OMIM 131750.
Epidermolysis bullosa dystrophica. Also called: Dystrophic epidermolysis bullosa; Dystrophic epidermolysis bullosa, Hallopeau-Siemens type (formerly). Identifiers: Orphanet 303, MedGen C0079294, MONDO:0006543.

Allele frequency attached by ClinVar (database versions not stated): ESP Exome Variant Server 0.00008; gnomAD exomes 0.00001; ExAC 0.00002; TOPMed below 0.00001.
gnomAD v4.1: 32 of 1,613,938 alleles (0.002%); highest among the groups gnomAD compares: Non-Finnish European, 0.0025%; no homozygotes.

Submissions (10):

Labcorp Genetics (formerly Invitae), Labcorp
Classification: Pathogenic. Last evaluated: 2026-01-24. Review status: criteria provided, single submitter. Criteria: Invitae Variant Classification Sherloc (09022015). Collection method: clinical testing. Allele origin: germline.
Comment: This sequence change creates a premature translational stop signal (p.Arg525*) in the COL7A1 gene. It is expected to result in an absent or disrupted protein product. Loss-of-function variants in COL7A1 are known to be pathogenic (PMID: 16971478). This variant is present in population databases (rs368007918, gnomAD 0.003%). This premature translational stop signal has been observed in individual(s) with autosomal recessive epidermolysis bullosa (PMID: 10504458, 21448560). ClinVar contains an entry for this variant (Variation ID: 279785). Algorithms developed to predict the effect of sequence changes on RNA splicing suggest that this variant may disrupt the consensus splice site. For these reasons, this variant has been classified as Pathogenic.

3billion
Classification: Pathogenic for Recessive dystrophic epidermolysis bullosa. Last evaluated: 2025-10-23. Review status: criteria provided, single submitter. Criteria: ACMG Guidelines, 2015. Collection method: clinical testing. Allele origin: germline. Affected: yes.
Comment: The variant is observed at an extremely low frequency in the gnomAD v4.1.0 dataset (total allele frequency: 0.002%). Predicted Consequence/Location: Stop-gained (nonsense): predicted to result in a loss or disruption of normal protein function through nonsense-mediated decay (NMD) or protein truncation. Multiple pathogenic variants are reported downstream of the variant. The variant has been reported to be in trans with a pathogenic variant as either compound heterozygous or homozygous in at least 2 similarly affected unrelated individuals (PMID: 10504458, 21448560). The variant has been reported at least twice as pathogenic with clinical assertions and evidence for the classification (ClinVar ID: VCV000279785 /PMID: 10504458). Therefore, this variant is classified as Pathogenic according to the recommendation of ACMG/AMP guideline.

Revvity Omics, Revvity
Classification: Pathogenic. Last evaluated: 2025-01-10. Review status: criteria provided, single submitter. Criteria: ACMG Guidelines, 2015. Collection method: clinical testing. Allele origin: germline.

Myriad Genetics, Inc.
Classification: Pathogenic for Recessive dystrophic epidermolysis bullosa. Last evaluated: 2024-09-13. Review status: criteria provided, single submitter. Criteria: Myriad Autosomal Dominant, Autosomal Recessive and X-Linked Classification Criteria (2023). Collection method: clinical testing. Allele origin: unknown.
Comment: NM_000094.3(COL7A1):c.1573C>T(R525*) is expected to be pathogenic in the context of dystrophic epidermolysis bullosa. This variant is predicted to lead to an abnormal or absent protein product due to the creation of a premature termination codon in COL7A1, a gene where loss-of-function variants are known to be pathogenic. Please note: this variant was assessed in the context of healthy population screening.

Blueprint Genetics
Classification: Pathogenic for COL7A1-related disorders. Last evaluated: 2022-05-24. Review status: criteria provided, single submitter. Criteria: ACMG Guidelines, 2015. Collection method: clinical testing. Allele origin: germline. Affected: yes. Observed: 1 variant allele.

Biomedical Innovation Departament, CIEMAT
Classification: Pathogenic for Dystrophic epidermolysis bullosa. Last evaluated: 2019-03-14. Review status: criteria provided, single submitter. Criteria: ACMG Guidelines, 2015. Collection method: research. Allele origin: germline. Affected: yes. Observed: 4 variant alleles.

Fulgent Genetics
Classification: Pathogenic for Transient bullous dermolysis of the newborn; Generalized dominant dystrophic epidermolysis bullosa; Pretibial dystrophic epidermolysis bullosa; Dominant dystrophic epidermolysis bullosa with absence of skin; Recessive dystrophic epidermolysis bullosa; Epidermolysis bullosa pruriginosa; Nonsyndromic congenital nail disorder 8. Last evaluated: 2018-10-31. Review status: criteria provided, single submitter. Criteria: ACMG Guidelines, 2015. Collection method: clinical testing. Allele origin: unknown.

GeneDx
Classification: Pathogenic. Last evaluated: 2016-08-05. Review status: criteria provided, single submitter. Criteria: GeneDx Variant Classification (06012015). Collection method: clinical testing. Allele origin: germline. Affected: yes.
Comment: The R525X pathogenic variant in the COL7A1 gene has been reported previously in association with autosomal recessive dystrophic epidermolysis bullosa (Whittock et al., 1999 Almaani et al. 2011). This variant is predicted to cause loss of normal protein function either through protein truncation or nonsense- mediated mRNA decay. The R525X variant was not observed with any significant frequency in individuals of European or African American ancestry in the NHLBI Exome Sequencing Project. We interpret R525X as a pathogenic variant.

Center for Statistical Genetics, Columbia University
Classification: Pathogenic for Recessive dystrophic epidermolysis bullosa. Review status: criteria provided, single submitter. Criteria: ACMG Guidelines, 2015. Collection method: research. Allele origin: germline. Inheritance: Semidominant inheritance. Affected: yes.
Comment: The p.(Arg525*) variant in COL7A1 is a nonsense variant that was previously identified in two Pakistani families with severe Dystrophic Epidermolysis Bullosa (DEB) (Khan et al., 2021 and Fozia et al., 2022). LOF is a known mechanism of disease. This variant meets our criteria to be classified as pathogenic.

Natera, Inc.
Classification: Pathogenic for Autosomal recessive dystrophic epidermolysis bullosa. Last evaluated: 2020-09-16. Review status: no assertion criteria provided. Collection method: clinical testing. Allele origin: germline. Not counted in ClinVar's aggregate classification.

Literature cited by the submitters: PubMed 16971478 (cited by Labcorp Genetics (formerly Invitae), Labcorp); PubMed 10504458 (cited by 3 submitters); PubMed 21448560 (cited by Labcorp Genetics (formerly Invitae), Labcorp and 3billion); PubMed 35885431 (cited by Center for Statistical Genetics, Columbia University).

NM_000094.4(COL7A1):c.1573C>T (p.Arg525Ter)

Gene: COL7A1 (collagen type VII alpha 1 chain; minus strand). Cytogenetic location: 3p21.31.
Variant type: single nucleotide variant.
Coding change: c.1573C>T on transcript NM_000094.4 (MANE Select); coding-DNA position 1573, C replaced by T.
Protein change: p.Arg525Ter; replaces arginine 525 with a stop codon.
Molecular consequence: nonsense.
Genome position (GRCh38, 1-based): chr3:48,591,527, G>A on the plus strand (C>T on the coding strand, the complement: COL7A1 is on the minus strand). VCF-style: chr3-48591527-G-A. GRCh37 (hg19) VCF-style: chr3-48628960-G-A.
Other names: short protein forms R525*.
Identifiers: ClinVar variation 279785 (VCV000279785.15), dbSNP rs368007918, ClinGen allele CA2381174.